The following is an entry in ClinVar:

ClinVar aggregate classification (germline): Uncertain significance. Review status: criteria provided, multiple submitters, no conflicts (2 of 4 stars). 2 submissions from 2 submitters: Uncertain significance (2). Last evaluated 2023-10-09.

Submissions (2):

GeneDx
Classification: Uncertain significance. Last evaluated: 2023-10-09. Review status: criteria provided, single submitter. Criteria: GeneDx Variant Classification Process June 2021. Collection method: clinical testing. Allele origin: germline. Affected: yes.
Comment: Not observed at significant frequency in large population cohorts (gnomAD); In silico analysis supports that this missense variant does not alter protein structure/function; Has not been previously published as pathogenic or benign to our knowledge

CeGaT Center for Human Genetics Tuebingen
Classification: Uncertain significance. Last evaluated: 2023-02-01. Review status: criteria provided, single submitter. Criteria: CeGaT Center For Human Genetics Tuebingen Variant Classification Criteria Version 2. Collection method: clinical testing. Allele origin: germline. Affected: yes. Observed: 2 variant alleles.

NM_031407.7(HUWE1):c.10729A>G (p.Thr3577Ala)

Gene: HUWE1 (HECT, UBA and WWE domain containing E3 ubiquitin protein ligase 1; minus strand). Cytogenetic location: Xp11.22.
Variant type: single nucleotide variant.
Coding change: c.10729A>G on transcript NM_031407.7 (MANE Select); coding-DNA position 10729, A replaced by G.
Protein change: p.Thr3577Ala; replaces threonine 3577 with alanine.
Molecular consequence: missense variant.
Genome position (GRCh38, 1-based): chrX:53,546,733, T>C on the plus strand (A>G on the coding strand, the complement: HUWE1 is on the minus strand). VCF-style: chrX-53546733-T-C. GRCh37 (hg19) VCF-style: chrX-53573694-T-C.
Other names: c.10729A>G (NM_031407.4); short protein forms T3577A.
Identifiers: ClinVar variation 2499140 (VCV002499140.29), dbSNP rs2523026948, ClinGen allele CA413134935.